The following is an entry in ClinVar:

NM_182961.4(SYNE1):c.16415G>A (p.Cys5472Tyr)

Gene: SYNE1 (spectrin repeat containing nuclear envelope protein 1; minus strand). Cytogenetic location: 6q25.2.
Variant type: single nucleotide variant.
Coding change: c.16415G>A on transcript NM_182961.4 (MANE Select); coding-DNA position 16415, G replaced by A.
Protein change: p.Cys5472Tyr; replaces cysteine 5472 with tyrosine.
Molecular consequence: missense variant.
Genome position (GRCh38, 1-based): chr6:152,318,238, C>T on the plus strand (G>A on the coding strand, the complement: SYNE1 is on the minus strand). VCF-style: chr6-152318238-C-T. GRCh37 (hg19) VCF-style: chr6-152639373-C-T.
Other names: c.16202G>A, p.Cys5401Tyr (NM_033071.5); short protein forms C5401Y, C5472Y.
Identifiers: ClinVar variation 2924462 (VCV002924462.3), dbSNP rs374092886, ClinGen allele CA150211640.

ClinVar aggregate classification (germline): Uncertain significance (1 of 4 stars; one submission).

Conditions:
Emery-Dreifuss muscular dystrophy 4, autosomal dominant (EDMD4). Also called: EMERY-DREIFUSS MUSCULAR DYSTROPHY 4 WITH VARIABLE FEATURES. Identifiers: Orphanet 261, MedGen C2751807, MONDO:0013071, OMIM 612998.
Autosomal recessive ataxia, Beauce type. Also called: SYNE1-Related Autosomal Recessive Cerebellar Ataxia; SYNE1 Deficiency; Spinocerebellar ataxia, autosomal recessive 8; ATAXIA, RECESSIVE, OF BEAUCE. Identifiers: Orphanet 88644, MedGen C1853116, MONDO:0012549, OMIM 610743.

Allele frequency attached by ClinVar (database versions not stated): gnomAD exomes below 0.00001; gnomAD 0.00001; TOPMed 0.00003; ESP Exome Variant Server 0.00008.
gnomAD v4.1: 5 of 1,614,058 alleles (0.00031%); highest among the groups gnomAD compares: African/African-American, 0.0067%; no homozygotes.

Submission:

Labcorp Genetics (formerly Invitae), Labcorp
Classification: Uncertain significance for Emery-Dreifuss muscular dystrophy 4, autosomal dominant; Autosomal recessive ataxia, Beauce type. Last evaluated: 2023-06-20. Review status: criteria provided, single submitter. Criteria: Invitae Variant Classification Sherloc (09022015). Collection method: clinical testing. Allele origin: germline.
Comment: In summary, the available evidence is currently insufficient to determine the role of this variant in disease. Therefore, it has been classified as a Variant of Uncertain Significance. Algorithms developed to predict the effect of missense changes on protein structure and function output the following: SIFT: "Not Available"; PolyPhen-2: "Benign"; Align-GVGD: "Not Available". The tyrosine amino acid residue is found in multiple mammalian species, which suggests that this missense change does not adversely affect protein function. This variant has not been reported in the literature in individuals affected with SYNE1-related conditions. This variant is present in population databases (rs374092886, gnomAD 0.008%). This sequence change replaces cysteine, which is neutral and slightly polar, with tyrosine, which is neutral and polar, at codon 5401 of the SYNE1 protein (p.Cys5401Tyr).